The following is an entry in ClinVar:

ClinVar aggregate classification (germline): Benign/Likely benign. Review status: criteria provided, multiple submitters, no conflicts (2 of 4 stars). 3 submissions from 3 submitters: Benign (2); Likely benign (1). Last evaluated 2026-01-06.

Allele frequency attached by ClinVar (database versions not stated): gnomAD exomes 0.00011 and 0.00038; ExAC 0.00045; gnomAD 0.00143 and 0.00149; TOPMed 0.00149; ESP Exome Variant Server 0.00174; 1000 Genomes Project 0.00220; 1000 Genomes Project 30x 0.00234.

Submissions (3):

Women's Health and Genetics/Laboratory Corporation of America, LabCorp
Classification: Benign. Last evaluated: 2026-01-06. Review status: criteria provided, single submitter. Criteria: LabCorp Variant Classification Summary - May 2015. Collection method: clinical testing. Allele origin: germline.
Comment: Variant summary: SBF1 c.1333-4dupC alters a nucleotide located at a position not widely known to affect splicing. Several computational tools predict a significant impact on normal splicing: Two predict the variant abolishes a 3' acceptor site. One predict the variant weakens a 3' acceptor site. One predict the variant no significant impact on splicing. However, these predictions have yet to be confirmed by functional studies. The variant allele was found at a frequency of 0.00038 in 249128 control chromosomes, predominantly at a frequency of 0.0053 within the African or African-American subpopulation in the gnomAD database. The observed variant frequency within African or African-American control individuals in the gnomAD database exceeds the estimated maximal expected allele frequency for disease-causing variants in SBF1. To our knowledge, no occurrence of c.1333-4dupC in individuals affected with SBF1-related conditions and no experimental evidence demonstrating its impact on protein function have been reported. ClinVar contains an entry for this variant (Variation ID: 1599868). Based on the evidence outlined above, the variant was classified as benign.

Labcorp Genetics (formerly Invitae), Labcorp
Classification: Benign. Last evaluated: 2025-07-23. Review status: criteria provided, single submitter. Criteria: Invitae Variant Classification Sherloc (09022015). Collection method: clinical testing. Allele origin: germline.

GeneDx
Classification: Likely benign. Last evaluated: 2024-02-27. Review status: criteria provided, single submitter. Criteria: GeneDx Variant Classification Process June 2021. Collection method: clinical testing. Allele origin: germline. Affected: yes.
Comment: See Variant Classification Assertion Criteria.

NM_002972.4(SBF1):c.1333-4dup

Gene: SBF1 (SET binding factor 1; minus strand). Cytogenetic location: 22q13.33.
Variant type: Duplication.
Coding change: c.1333-4dup on transcript NM_002972.4 (MANE Select); 4 bases into the intron before coding-DNA position 1333, one base duplicated (C; older notation c.1333-4dupC).
Molecular consequence: intron variant.
Genome position (GRCh38, 1-based): chr22:50,464,921, G duplicated on the plus strand (C on the coding strand, the reverse complement: SBF1 is on the minus strand). VCF-style (leftmost placement, unchanged base first): chr22-50464920-A-AG. GRCh37 (hg19) VCF-style: chr22-50903349-A-AG.
Other names: c.1333-4dupC (NM_002972.4); c.1336-4dup (NM_001365819.1).
Identifiers: ClinVar variation 1599868 (VCV001599868.10), dbSNP rs138346146, ClinGen allele CA10317710.